The following is an entry in ClinVar:

NM_001130987.2(DYSF):c.4801A>T (p.Met1601Leu)

Gene: DYSF (dysferlin; plus strand). Cytogenetic location: 2p13.2.
Variant type: single nucleotide variant.
Coding change: c.4801A>T on transcript NM_001130987.2 (MANE Select); coding-DNA position 4801, A replaced by T.
Protein change: p.Met1601Leu; replaces methionine 1601 with leucine.
Molecular consequence: missense variant.
Genome position (GRCh38, 1-based): chr2:71,658,923, A>T. VCF-style: chr2-71658923-A-T. GRCh37 (hg19) VCF-style: chr2-71886053-A-T.
Other names: c.4687A>T, p.Met1563Leu (NM_001130455.2); c.4642A>T, p.Met1548Leu (NM_001130976.2); c.4705A>T, p.Met1569Leu (NM_001130977.2); c.4747A>T, p.Met1583Leu (NM_001130978.2); c.4777A>T, p.Met1593Leu (NM_001130979.2); c.4735A>T, p.Met1579Leu (NM_001130980.2); c.4798A>T, p.Met1600Leu (NM_001130981.2); c.4780A>T, p.Met1594Leu (NM_001130982.2); and 5 more; short protein forms M1600L, M1549L, M1579L, M1583L, M1593L, M1548L, M1562L, M1569L.
Identifiers: ClinVar variation 1467192 (VCV001467192.3), dbSNP rs768130248, ClinGen allele CA1707148.

ClinVar aggregate classification (germline): Uncertain significance (1 of 4 stars; one submission).

Conditions:
Neuromuscular disease caused by qualitative or quantitative defects of dysferlin. Also called: Dysferlinopathy; Qualitative or quantitative defects of dysferlin. Identifiers: Orphanet 207073, MedGen C2931687, MONDO:0016145.

Allele frequency attached by ClinVar (database versions not stated): gnomAD exomes below 0.00001; TOPMed below 0.00001; ExAC 0.00001.

Submission:

Labcorp Genetics (formerly Invitae), Labcorp
Classification: Uncertain significance for Neuromuscular disease caused by qualitative or quantitative defects of dysferlin. Last evaluated: 2022-08-31. Review status: criteria provided, single submitter. Criteria: Invitae Variant Classification Sherloc (09022015). Collection method: clinical testing. Allele origin: germline.
Comment: This sequence change replaces methionine, which is neutral and non-polar, with leucine, which is neutral and non-polar, at codon 1562 of the DYSF protein (p.Met1562Leu). This variant is present in population databases (rs768130248, gnomAD 0.0009%). This variant has not been reported in the literature in individuals affected with DYSF-related conditions. ClinVar contains an entry for this variant (Variation ID: 1467192). Advanced modeling of protein sequence and biophysical properties (such as structural, functional, and spatial information, amino acid conservation, physicochemical variation, residue mobility, and thermodynamic stability) performed at Invitae indicates that this missense variant is not expected to disrupt DYSF protein function. In summary, the available evidence is currently insufficient to determine the role of this variant in disease. Therefore, it has been classified as a Variant of Uncertain Significance.